The following is an entry in ClinVar:

NM_152618.3(BBS12):c.571G>A (p.Gly191Arg)

Gene: BBS12 (Bardet-Biedl syndrome 12; plus strand). Cytogenetic location: 4q27.
Variant type: single nucleotide variant.
Coding change: c.571G>A on transcript NM_152618.3 (MANE Select); coding-DNA position 571, G replaced by A.
Protein change: p.Gly191Arg; replaces glycine 191 with arginine.
Molecular consequence: missense variant.
Genome position (GRCh38, 1-based): chr4:122,742,463, G>A. VCF-style: chr4-122742463-G-A. GRCh37 (hg19) VCF-style: chr4-123663618-G-A.
Other names: c.571G>A, p.Gly191Arg (NM_001178007.2); short protein forms G191R.
Identifiers: ClinVar variation 952264 (VCV000952264.5), dbSNP rs994493028, ClinGen allele CA105249173.

ClinVar aggregate classification (germline): Uncertain significance. Review status: criteria provided, multiple submitters, no conflicts (2 of 4 stars). 2 submissions from 2 submitters: Uncertain significance (2). Last evaluated 2022-09-06.

Conditions:
Bardet-Biedl syndrome (BBS). Identifiers: Orphanet 110, MedGen C0752166, MONDO:0015229.
Bardet-Biedl syndrome 12 (BBS12). Identifiers: Orphanet 110, MedGen C1859570, MONDO:0014440, OMIM 615989.

Submissions (2):

Labcorp Genetics (formerly Invitae), Labcorp
Classification: Uncertain significance for Bardet-Biedl syndrome. Last evaluated: 2022-09-06. Review status: criteria provided, single submitter. Criteria: Invitae Variant Classification Sherloc (09022015). Collection method: clinical testing. Allele origin: germline.
Comment: This sequence change replaces glycine, which is neutral and non-polar, with arginine, which is basic and polar, at codon 191 of the BBS12 protein (p.Gly191Arg). This variant is present in population databases (no rsID available, gnomAD 0.003%). This variant has not been reported in the literature in individuals affected with BBS12-related conditions. ClinVar contains an entry for this variant (Variation ID: 952264). Algorithms developed to predict the effect of missense changes on protein structure and function output the following: SIFT: "Deleterious"; PolyPhen-2: "Benign"; Align-GVGD: "Class C0". The arginine amino acid residue is found in multiple mammalian species, which suggests that this missense change does not adversely affect protein function. Algorithms developed to predict the effect of sequence changes on RNA splicing suggest that this variant may create or strengthen a splice site. In summary, the available evidence is currently insufficient to determine the role of this variant in disease. Therefore, it has been classified as a Variant of Uncertain Significance.

Fulgent Genetics
Classification: Uncertain significance for Bardet-Biedl syndrome 12. Last evaluated: 2021-12-01. Review status: criteria provided, single submitter. Criteria: ACMG Guidelines, 2015. Collection method: clinical testing. Allele origin: unknown.